The following is an entry in ClinVar:

ClinVar aggregate classification (germline): Uncertain significance. Review status: criteria provided, multiple submitters, no conflicts (2 of 4 stars). 2 submissions from 2 submitters: Uncertain significance (2). Last evaluated 2026-08-29.

Conditions:
Dilated cardiomyopathy 1JJ (CMD1JJ). Identifiers: Orphanet 154, MedGen C3808935, MONDO:0014095, OMIM 615235.
Cardiovascular phenotype. Identifiers: MedGen CN230736.

Submissions (2):

Ambry Genetics
Classification: Uncertain significance for Cardiovascular phenotype. Last evaluated: 2026-08-29. Review status: criteria provided, single submitter. Criteria: Ambry Variant Classification Scheme 2023. Collection method: clinical testing. Allele origin: germline.
Comment: The p.M498T variant (also known as c.1493T>C), located in coding exon 11 of the LAMA4 gene, results from a T to C substitution at nucleotide position 1493. The methionine at codon 498 is replaced by threonine, an amino acid with similar properties. This amino acid position is conserved. In addition, this alteration is predicted to be tolerated by in silico analysis. Based on the available evidence, the clinical significance of this variant remains unclear.

Labcorp Genetics (formerly Invitae), Labcorp
Classification: Uncertain significance for Dilated cardiomyopathy 1JJ. Last evaluated: 2023-08-02. Review status: criteria provided, single submitter. Criteria: Invitae Variant Classification Sherloc (09022015). Collection method: clinical testing. Allele origin: germline.
Comment: In summary, the available evidence is currently insufficient to determine the role of this variant in disease. Therefore, it has been classified as a Variant of Uncertain Significance. Algorithms developed to predict the effect of missense changes on protein structure and function output the following: SIFT: "Not Available"; PolyPhen-2: "Benign"; Align-GVGD: "Not Available". The threonine amino acid residue is found in multiple mammalian species, which suggests that this missense change does not adversely affect protein function. This variant has not been reported in the literature in individuals affected with LAMA4-related conditions. This variant is not present in population databases (gnomAD no frequency). This sequence change replaces methionine, which is neutral and non-polar, with threonine, which is neutral and polar, at codon 498 of the LAMA4 protein (p.Met498Thr).

NM_001105206.3(LAMA4):c.1514T>C (p.Met505Thr)

Gene: LAMA4 (laminin subunit alpha 4; minus strand). Cytogenetic location: 6q21.
Variant type: single nucleotide variant.
Coding change: c.1514T>C on transcript NM_001105206.3 (MANE Select); coding-DNA position 1514, T replaced by C.
Protein change: p.Met505Thr; replaces methionine 505 with threonine.
Molecular consequence: missense variant.
Genome position (GRCh38, 1-based): chr6:112,172,648, A>G on the plus strand (T>C on the coding strand, the complement: LAMA4 is on the minus strand). VCF-style: chr6-112172648-A-G. GRCh37 (hg19) VCF-style: chr6-112493850-A-G.
Other names: c.1493T>C, p.Met498Thr (NM_001105207.3, NM_002290.5); short protein forms M498T, M505T.
Identifiers: ClinVar variation 2806250 (VCV002806250.4), dbSNP rs2547109566, ClinGen allele CA365370541.